The following is an entry in ClinVar:

NM_000384.3(APOB):c.9627A>T (p.Glu3209Asp)

Gene: APOB (apolipoprotein B; minus strand). Cytogenetic location: 2p24.1.
Variant type: single nucleotide variant.
Coding change: c.9627A>T on transcript NM_000384.3 (MANE Select); coding-DNA position 9627, A replaced by T.
Protein change: p.Glu3209Asp; replaces glutamic acid 3209 with aspartic acid.
Molecular consequence: missense variant.
Genome position (GRCh38, 1-based): chr2:21,007,241, T>A on the plus strand (A>T on the coding strand, the complement: APOB is on the minus strand). VCF-style: chr2-21007241-T-A. GRCh37 (hg19) VCF-style: chr2-21230113-T-A.
Other names: short protein forms E3209D.
Identifiers: ClinVar variation 2565862 (VCV002565862.2), dbSNP rs1482367146, ClinGen allele CA345989339.

ClinVar aggregate classification (germline): Uncertain significance (1 of 4 stars; one submission).

Conditions:
Cardiovascular phenotype. Identifiers: MedGen CN230736.

Allele frequency attached by ClinVar (database versions not stated): gnomAD exomes below 0.00001.
gnomAD v4.1: 1 of 1,613,422 alleles (0.000062%); highest among the groups gnomAD compares: South Asian, 0.0011%; no homozygotes.

Submission:

Ambry Genetics
Classification: Uncertain significance for Cardiovascular phenotype. Last evaluated: 2023-05-15. Review status: criteria provided, single submitter. Criteria: Ambry Variant Classification Scheme 2023. Collection method: clinical testing. Allele origin: germline.
Comment: The p.E3209D variant (also known as c.9627A>T), located in coding exon 26 of the APOB gene, results from an A to T substitution at nucleotide position 9627. The glutamic acid at codon 3209 is replaced by aspartic acid, an amino acid with highly similar properties. This amino acid position is conserved. In addition, this alteration is predicted to be tolerated by in silico analysis. Since supporting evidence is limited at this time, the clinical significance of this alteration remains unclear.